The following is an entry in ClinVar:

ClinVar aggregate classification (germline): Benign/Likely benign. Review status: criteria provided, multiple submitters, no conflicts (2 of 4 stars). 5 submissions from 5 submitters: Benign (2); Likely benign (3). Last evaluated 2026-02-04.

Conditions:
Joubert syndrome. Also called: Familial aplasia of the vermis; JOUBERT-BOLTSHAUSER SYNDROME. Identifiers: Orphanet 475, MedGen C5979921, MONDO:0018772.

Allele frequency attached by ClinVar (database versions not stated): gnomAD exomes 0.00045 and 0.00116; ExAC 0.00140; gnomAD 0.00425 and 0.00451; TOPMed 0.00474; 1000 Genomes Project 0.00499; 1000 Genomes Project 30x 0.00547; ESP Exome Variant Server 0.00547.
gnomAD v4.1: 1,308 of 1,613,862 alleles (0.081%); highest among the groups gnomAD compares: African/African-American, 1.6%; 6 homozygotes.

Submissions (5):

Labcorp Genetics (formerly Invitae), Labcorp
Classification: Benign for Joubert syndrome. Last evaluated: 2026-02-04. Review status: criteria provided, single submitter. Criteria: Invitae Variant Classification Sherloc (09022015). Collection method: clinical testing. Allele origin: germline.

Blueprint Genetics
Classification: Likely benign. Last evaluated: 2024-10-24. Review status: criteria provided, single submitter. Criteria: ACMG Guidelines, 2015. Collection method: clinical testing. Allele origin: germline.

GeneDx
Classification: Benign. Last evaluated: 2017-02-21. Review status: criteria provided, single submitter. Criteria: GeneDx Variant Classification (06012015). Collection method: clinical testing. Allele origin: germline. Affected: yes.
Comment: This variant is considered likely benign or benign based on one or more of the following criteria: it is a conservative change, it occurs at a poorly conserved position in the protein, it is predicted to be benign by multiple in silico algorithms, and/or has population frequency not consistent with disease.

Breakthrough Genomics
Classification: Likely benign. Review status: criteria provided, single submitter. Criteria: ACMG Guidelines, 2015. Collection method: not provided. Allele origin: germline. Inheritance: Autosomal recessive inheritance. Affected: yes.

PreventionGenetics, part of Exact Sciences
Classification: Likely benign. Review status: criteria provided, single submitter. Criteria: ACMG Guidelines, 2015. Collection method: clinical testing. Allele origin: germline.

NM_001134831.2(AHI1):c.2916T>G (p.Ser972=)

Gene: AHI1 (Abelson helper integration site 1; minus strand). Cytogenetic location: 6q23.3.
Variant type: single nucleotide variant.
Coding change: c.2916T>G on transcript NM_001134831.2 (MANE Select); coding-DNA position 2916, T replaced by G.
Protein change: p.Ser972=; no amino-acid change (serine 972 retained).
Molecular consequence: synonymous variant.
Genome position (GRCh38, 1-based): chr6:135,411,393, A>C on the plus strand (T>G on the coding strand, the complement: AHI1 is on the minus strand). VCF-style: chr6-135411393-A-C. GRCh37 (hg19) VCF-style: chr6-135732531-A-C.
Other names: c.2916T>G, p.Ser972= (NM_001134830.2, NM_001134832.2, NM_001350503.2 and 2 more transcripts).
Identifiers: ClinVar variation 260851 (VCV000260851.15), dbSNP rs140280929, ClinGen allele CA4012241.